The following is an entry in ClinVar:

NM_014727.3(KMT2B):c.8063A>G (p.Tyr2688Cys)

Gene: KMT2B (lysine methyltransferase 2B; plus strand). Cytogenetic location: 19q13.12.
Variant type: single nucleotide variant.
Coding change: c.8063A>G on transcript NM_014727.3 (MANE Select); coding-DNA position 8063, A replaced by G.
Protein change: p.Tyr2688Cys; replaces tyrosine 2688 with cysteine.
Molecular consequence: missense variant.
Genome position (GRCh38, 1-based): chr19:35,738,472, A>G. VCF-style: chr19-35738472-A-G. GRCh37 (hg19) VCF-style: chr19-36229373-A-G.
Other names: short protein forms Y2688C.
Identifiers: ClinVar variation 3373088 (VCV003373088.1).

ClinVar aggregate classification (germline): Uncertain significance (1 of 4 stars; one submission).

gnomAD v4.1: 1 of 1,614,098 alleles (0.000062%); highest among the groups gnomAD compares: Non-Finnish European, 0.000085%; no homozygotes.

Submission:

GeneDx
Classification: Uncertain significance. Last evaluated: 2024-04-29. Review status: criteria provided, single submitter. Criteria: GeneDx Variant Classification Process June 2021. Collection method: clinical testing. Allele origin: germline. Affected: yes.
Comment: Not observed at significant frequency in large population cohorts (gnomAD); In silico analysis supports that this missense variant has a deleterious effect on protein structure/function; Has not been previously published as pathogenic or benign to our knowledge